The following is an entry in ClinVar:

NM_001365999.1(SZT2):c.9514T>C (p.Cys3172Arg)

Genes: SZT2 (SZT2 subunit of KICSTOR complex; plus strand), SZT2-AS1 (SZT2 antisense RNA 1; minus strand). Cytogenetic location: 1p34.2.
Variant type: single nucleotide variant.
Coding change: c.9514T>C on transcript NM_001365999.1 (MANE Select); coding-DNA position 9514, T replaced by C.
Protein change: p.Cys3172Arg; replaces cysteine 3172 with arginine.
Molecular consequence: missense variant. On other transcripts: non-coding transcript variant (1).
Genome position (GRCh38, 1-based): chr1:43,447,922, T>C. VCF-style: chr1-43447922-T-C. GRCh37 (hg19) VCF-style: chr1-43913593-T-C.
Other names: c.9343T>C, p.Cys3115Arg (NM_015284.4); c.955T>C, p.Cys319Arg (NM_024547.1); short protein forms C3115R, C3172R, C319R.
Identifiers: ClinVar variation 2070808 (VCV002070808.4), dbSNP rs1451264032, ClinGen allele CA340043534.

ClinVar aggregate classification (germline): Uncertain significance (1 of 4 stars; one submission).

Allele frequency attached by ClinVar (database versions not stated): gnomAD exomes below 0.00001.
gnomAD v4.1: 2 of 1,614,074 alleles (0.00012%); highest among the groups gnomAD compares: Non-Finnish European, 0.000085%; no homozygotes.

Submission:

Labcorp Genetics (formerly Invitae), Labcorp
Classification: Uncertain significance. Last evaluated: 2023-11-27. Review status: criteria provided, single submitter. Criteria: Invitae Variant Classification Sherloc (09022015). Collection method: clinical testing. Allele origin: germline.
Comment: This sequence change replaces cysteine, which is neutral and slightly polar, with arginine, which is basic and polar, at codon 3115 of the SZT2 protein (p.Cys3115Arg). This variant is present in population databases (no rsID available, gnomAD 0.0009%). This variant has not been reported in the literature in individuals affected with SZT2-related conditions. ClinVar contains an entry for this variant (Variation ID: 2070808). Advanced modeling of protein sequence and biophysical properties (such as structural, functional, and spatial information, amino acid conservation, physicochemical variation, residue mobility, and thermodynamic stability) performed at Invitae indicates that this missense variant is not expected to disrupt SZT2 protein function with a negative predictive value of 80%. In summary, the available evidence is currently insufficient to determine the role of this variant in disease. Therefore, it has been classified as a Variant of Uncertain Significance.